The following is an entry in ClinVar:

NM_005012.4(ROR1):c.2398G>A (p.Gly800Ser)

Gene: ROR1 (receptor tyrosine kinase like orphan receptor 1; plus strand). Cytogenetic location: 1p31.3.
Variant type: single nucleotide variant.
Coding change: c.2398G>A on transcript NM_005012.4 (MANE Select); coding-DNA position 2398, G replaced by A.
Protein change: p.Gly800Ser; replaces glycine 800 with serine.
Molecular consequence: missense variant.
Genome position (GRCh38, 1-based): chr1:64,178,439, G>A. VCF-style: chr1-64178439-G-A. GRCh37 (hg19) VCF-style: chr1-64644122-G-A.
Other names: short protein forms G800S.
Identifiers: ClinVar variation 1910999 (VCV001910999.5), dbSNP rs199711517, ClinGen allele CA890413.

ClinVar aggregate classification (germline): Uncertain significance (1 of 4 stars; one submission).

Allele frequency attached by ClinVar (database versions not stated): 1000 Genomes Project 30x 0.00016.
gnomAD v4.1: 9 of 1,614,148 alleles (0.00056%); highest among the groups gnomAD compares: South Asian, 0.0088%; no homozygotes.

Submission:

Labcorp Genetics (formerly Invitae), Labcorp
Classification: Uncertain significance. Last evaluated: 2024-04-08. Review status: criteria provided, single submitter. Criteria: Invitae Variant Classification Sherloc (09022015). Collection method: clinical testing. Allele origin: germline.
Comment: This sequence change replaces glycine, which is neutral and non-polar, with serine, which is neutral and polar, at codon 800 of the ROR1 protein (p.Gly800Ser). This variant is present in population databases (rs199711517, gnomAD 0.006%). This variant has not been reported in the literature in individuals affected with ROR1-related conditions. ClinVar contains an entry for this variant (Variation ID: 1910999). Advanced modeling of protein sequence and biophysical properties (such as structural, functional, and spatial information, amino acid conservation, physicochemical variation, residue mobility, and thermodynamic stability) performed at Invitae indicates that this missense variant is not expected to disrupt ROR1 protein function with a negative predictive value of 80%. In summary, the available evidence is currently insufficient to determine the role of this variant in disease. Therefore, it has been classified as a Variant of Uncertain Significance.